The following is an entry in ClinVar:

NM_001184.4(ATR):c.2101G>A (p.Asp701Asn)

Gene: ATR (ATR checkpoint kinase; minus strand). Cytogenetic location: 3q23.
Variant type: single nucleotide variant.
Coding change: c.2101G>A on transcript NM_001184.4 (MANE Select); coding-DNA position 2101, G replaced by A.
Protein change: p.Asp701Asn; replaces aspartic acid 701 with asparagine.
Molecular consequence: missense variant.
Genome position (GRCh38, 1-based): chr3:142,556,117, C>T on the plus strand (G>A on the coding strand, the complement: ATR is on the minus strand). VCF-style: chr3-142556117-C-T. GRCh37 (hg19) VCF-style: chr3-142274959-C-T.
Other names: c.1909G>A, p.Asp637Asn (NM_001354579.2); short protein forms D701N, D637N.
Identifiers: ClinVar variation 1785927 (VCV001785927.2), dbSNP rs1301785134, ClinGen allele CA354818995.

ClinVar aggregate classification (germline): Uncertain significance (1 of 4 stars; one submission).

Conditions:
Inborn genetic diseases. Identifiers: MedGen C0950123, MeSH D030342.

Allele frequency attached by ClinVar (database versions not stated): gnomAD exomes 0.00001.
gnomAD v4.1: 4 of 1,612,768 alleles (0.00025%); highest among the groups gnomAD compares: South Asian, 0.0044%; no homozygotes.

Submission:

Ambry Genetics
Classification: Uncertain significance for Inborn genetic diseases. Last evaluated: 2022-06-23. Review status: criteria provided, single submitter. Criteria: Ambry Variant Classification Scheme 2023. Collection method: clinical testing. Allele origin: germline.
Comment: The p.D701N variant (also known as c.2101G>A), located in coding exon 10 of the ATR gene, results from a G to A substitution at nucleotide position 2101. The aspartic acid at codon 701 is replaced by asparagine, an amino acid with highly similar properties. This amino acid position is conserved. In addition, this alteration is predicted to be tolerated by in silico analysis. Since supporting evidence is limited at this time, the clinical significance of this alteration remains unclear.